The following is an entry in ClinVar:

NM_004360.5(CDH1):c.1237T>C (p.Tyr413His)

Gene: CDH1 (cadherin 1; plus strand). Cytogenetic location: 16q22.1.
Variant type: single nucleotide variant.
Coding change: c.1237T>C on transcript NM_004360.5 (MANE Select); coding-DNA position 1237, T replaced by C.
Protein change: p.Tyr413His; replaces tyrosine 413 with histidine.
Molecular consequence: missense variant. On other transcripts: 5 prime UTR variant (2), intron variant (1).
Genome position (GRCh38, 1-based): chr16:68,813,412, T>C. VCF-style: chr16-68813412-T-C. GRCh37 (hg19) VCF-style: chr16-68847315-T-C.
Other names: c.-379T>C (NM_001317185.2); c.-583T>C (NM_001317186.2); c.1137+1149T>C (NM_001317184.2); short protein forms Y413H.
Identifiers: ClinVar variation 3241033 (VCV003241033.2), dbSNP rs2152133501.
Genomic context (GRCh38, chr16:68,813,412, plus strand): 5'-ATCACCACACTGAAAGTGACTGATGCTGATGCCCCCAATACCCCAGCGTGGGAGGCTGTA[T>C]ACACCATATTGAATGATGATGGTGGACAATTTGTCGTCACCACAAATCCAGTGAACAACG-3'
Protein context (NP_004351.1, residues 403-423): APNTPAWEAV[Tyr413His]TILNDDGGQF

ClinVar aggregate classification (germline): Uncertain significance. Review status: criteria provided, multiple submitters, no conflicts (2 of 4 stars). 2 submissions from 2 submitters: Uncertain significance (2). Last evaluated 2026-07-07.

Conditions:
Hereditary cancer-predisposing syndrome. Also called: Neoplastic Syndromes, Hereditary; Tumor predisposition; Hereditary Cancer Syndrome; Hereditary neoplastic syndrome. Identifiers: Orphanet 140162, MedGen C0027672, MeSH D009386, MONDO:0015356.
Familial cancer of breast. Also called: BREAST CANCER, FAMILIAL; Hereditary breast cancer; hereditary breast carcinoma. Identifiers: Orphanet 227535, MedGen C0346153, MONDO:0016419, OMIM 114480. Disease mechanism: loss of function.

Submissions (2):

Ambry Genetics
Classification: Uncertain significance for Hereditary cancer-predisposing syndrome. Last evaluated: 2026-07-07. Review status: criteria provided, single submitter. Criteria: Ambry Variant Classification Scheme 2023. Collection method: clinical testing. Allele origin: germline.
Comment: The p.Y413H variant (also known as c.1237T>C), located in coding exon 9 of the CDH1 gene, results from a T to C substitution at nucleotide position 1237. The tyrosine at codon 413 is replaced by histidine, an amino acid with similar properties. This amino acid position is conserved. In addition, this alteration is predicted to be deleterious by in silico analysis. Based on the available evidence, the clinical significance of this variant remains unclear.

Baylor Genetics
Classification: Uncertain significance for Familial cancer of breast. Last evaluated: 2023-11-12. Review status: criteria provided, single submitter. Criteria: ACMG Guidelines, 2015. Collection method: clinical testing. Allele origin: unknown.